The following is an entry in ClinVar:

NM_000059.4(BRCA2):c.4520A>G (p.Gln1507Arg)

Gene: BRCA2 (BRCA2 DNA repair associated; plus strand). Cytogenetic location: 13q13.1.
Variant type: single nucleotide variant.
Coding change: c.4520A>G on transcript NM_000059.4 (MANE Select); coding-DNA position 4520, A replaced by G.
Protein change: p.Gln1507Arg; replaces glutamine 1507 with arginine.
Molecular consequence: missense variant.
Genome position (GRCh38, 1-based): chr13:32,338,875, A>G. VCF-style: chr13-32338875-A-G. GRCh37 (hg19) VCF-style: chr13-32913012-A-G.
Other names: short protein forms Q1507R.
Identifiers: ClinVar variation 824969 (VCV000824969.14), dbSNP rs1473942366, ClinGen allele CA387781658.

ClinVar aggregate classification (germline): Conflicting classifications of pathogenicity. Review status: criteria provided, conflicting classifications (1 of 4 stars). 4 submissions from 4 submitters: Uncertain significance (3); Likely benign (1). Last evaluated 2025-09-16.

Conditions:
Hereditary cancer-predisposing syndrome. Also called: Neoplastic Syndromes, Hereditary; Tumor predisposition; Hereditary neoplastic syndrome; Hereditary Cancer Syndrome. Identifiers: Orphanet 140162, MedGen C0027672, MeSH D009386, MONDO:0015356.
Hereditary breast ovarian cancer syndrome. Also called: Hereditary breast and ovarian cancer syndrome; Hereditary breast and ovarian cancer; Hereditary breast and ovarian cancer syndrome (HBOC); Breast and ovarian cancer; Hereditary breast and/or ovarian cancer syndrome; BRCA1- and BRCA2-Associated Hereditary Breast and Ovarian Cancer. Identifiers: Orphanet 145, MedGen C0677776, MeSH D061325, MONDO:0003582. Disease mechanism: loss of function.

Allele frequency attached by ClinVar (database versions not stated): gnomAD exomes below 0.00001.
gnomAD v4.1: 1 of 1,614,008 alleles (0.000062%); highest among the groups gnomAD compares: Admixed American, 0.0017%; no homozygotes.

Submissions (4):

Ambry Genetics
Classification: Uncertain significance for Hereditary cancer-predisposing syndrome. Last evaluated: 2025-09-16. Review status: criteria provided, single submitter. Criteria: Ambry Variant Classification Scheme 2023. Collection method: clinical testing. Allele origin: germline.
Comment: The p.Q1507R variant (also known as c.4520A>G), located in coding exon 10 of the BRCA2 gene, results from an A to G substitution at nucleotide position 4520. The glutamine at codon 1507 is replaced by arginine, an amino acid with highly similar properties. This amino acid position is not well conserved in available vertebrate species. In addition, this alteration is predicted to be tolerated by in silico analysis. Since supporting evidence is limited at this time, the clinical significance of this alteration remains unclear.

Labcorp Genetics (formerly Invitae), Labcorp
Classification: Uncertain significance for Hereditary breast ovarian cancer syndrome. Last evaluated: 2023-06-09. Review status: criteria provided, single submitter. Criteria: Invitae Variant Classification Sherloc (09022015). Collection method: clinical testing. Allele origin: germline.
Comment: ClinVar contains an entry for this variant (Variation ID: 824969). This variant has not been reported in the literature in individuals affected with BRCA2-related conditions. This variant is present in population databases (no rsID available, gnomAD 0.003%). This sequence change replaces glutamine, which is neutral and polar, with arginine, which is basic and polar, at codon 1507 of the BRCA2 protein (p.Gln1507Arg). In summary, the available evidence is currently insufficient to determine the role of this variant in disease. Therefore, it has been classified as a Variant of Uncertain Significance. Advanced modeling of protein sequence and biophysical properties (such as structural, functional, and spatial information, amino acid conservation, physicochemical variation, residue mobility, and thermodynamic stability) performed at Invitae indicates that this missense variant is not expected to disrupt BRCA2 protein function.

University of Washington Department of Laboratory Medicine, University of Washington
Classification: Likely benign for Hereditary cancer-predisposing syndrome. Last evaluated: 2023-03-23. Review status: criteria provided, single submitter. Criteria: Dines et al. (Genet Med. 2020). Collection method: curation. Allele origin: germline.
Comment: Missense variant in a coldspot region where missense variants are very unlikely to be pathogenic (PMID:31911673).

BRCA2 exon 11 coldspot. Reclassification based on statistical prior probability.

Quest Diagnostics Nichols Institute San Juan Capistrano
Classification: Uncertain significance. Last evaluated: 2023-02-21. Review status: criteria provided, single submitter. Criteria: Quest Diagnostics criteria. Collection method: clinical testing. Allele origin: unknown.
Comment: The frequency of this variant in the general population, 0.000004 (1/250266 chromosomes), is uninformative in assessment of its pathogenicity. In the published literature, the variant has been reported in an individual with breast cancer in a large scale breast cancer association study PMID: 33471991 (2021), ). Analysis of this variant using bioinformatics tools for the prediction of the effect of amino acid changes on protein structure and function yielded predictions that this variant is benign. Based on the available information, we are unable to determine the clinical significance of this variant.

Literature cited by the submitters: PubMed 33471991 (cited by Quest Diagnostics Nichols Institute San Juan Capistrano).